The following is an entry in ClinVar:

NM_198407.2(GHSR):c.166G>A (p.Val56Met)

Gene: GHSR (growth hormone secretagogue receptor; minus strand). Cytogenetic location: 3q26.31.
Variant type: single nucleotide variant.
Coding change: c.166G>A on transcript NM_198407.2 (MANE Select); coding-DNA position 166, G replaced by A.
Protein change: p.Val56Met; replaces valine 56 with methionine.
Molecular consequence: missense variant.
Genome position (GRCh38, 1-based): chr3:172,448,248, C>T on the plus strand (G>A on the coding strand, the complement: GHSR is on the minus strand). VCF-style: chr3-172448248-C-T. GRCh37 (hg19) VCF-style: chr3-172166038-C-T.
Other names: c.166G>A, p.Val56Met (NM_004122.2); short protein forms V56M.
Identifiers: ClinVar variation 4882223 (VCV004882223.2).

ClinVar aggregate classification (germline): Uncertain significance (1 of 4 stars; one submission).

Submission:

Dasa
Classification: Uncertain significance. Last evaluated: 2024-08-23. Review status: criteria provided, single submitter. Criteria: DASA Assertion Criteria. Collection method: clinical testing. Allele origin: germline.
Comment: NM_198407.2(GHSR):c.166G>A (p.Val56Met) is a missense variant that results in the substitution of valine with methionine. This variant is absent from population databases. Computational prediction algorithms are consistent with a benign effect. The currently available literature and clinical evidence are not sufficient to establish a definitive association between this variant and the reported condition. Therefore, this variant is classified as a variant of uncertain significance.